The following is an entry in ClinVar:

ClinVar aggregate classification (germline): Uncertain significance (1 of 4 stars; one submission).

Allele frequency attached by ClinVar (database versions not stated): ExAC 0.00002.
gnomAD v4.1: 4 of 1,610,302 alleles (0.00025%); highest among the groups gnomAD compares: African/African-American, 0.0013%; no homozygotes.

Submission:

Labcorp Genetics (formerly Invitae), Labcorp
Classification: Uncertain significance. Last evaluated: 2023-11-07. Review status: criteria provided, single submitter. Criteria: Invitae Variant Classification Sherloc (09022015). Collection method: clinical testing. Allele origin: germline.
Comment: This sequence change replaces histidine, which is basic and polar, with glutamine, which is neutral and polar, at codon 142 of the PLG protein (p.His142Gln). This variant is present in population databases (rs777371711, gnomAD 0.0009%). This missense change has been observed in individual(s) with PLG-related conditions (PMID: 34268611). An algorithm developed to predict the effect of missense changes on protein structure and function (PolyPhen-2) suggests that this variant is likely to be tolerated. In summary, the available evidence is currently insufficient to determine the role of this variant in disease. Therefore, it has been classified as a Variant of Uncertain Significance.

Literature cited by the submitters: PubMed 34268611.

NM_000301.5(PLG):c.426C>G (p.His142Gln)

Gene: PLG (plasminogen; plus strand). Cytogenetic location: 6q26.
Variant type: single nucleotide variant.
Coding change: c.426C>G on transcript NM_000301.5 (MANE Select); coding-DNA position 426, C replaced by G.
Protein change: p.His142Gln; replaces histidine 142 with glutamine.
Molecular consequence: missense variant.
Genome position (GRCh38, 1-based): chr6:160,713,004, C>G. VCF-style: chr6-160713004-C-G. GRCh37 (hg19) VCF-style: chr6-161134036-C-G.
Other names: short protein forms H142Q.
Identifiers: ClinVar variation 2873893 (VCV002873893.3), dbSNP rs777371711, ClinGen allele CA4087438.